The following is an entry in ClinVar:

ClinVar aggregate classification (germline): Uncertain significance. Review status: criteria provided, multiple submitters, no conflicts (2 of 4 stars). 2 submissions from 2 submitters: Uncertain significance (2). Last evaluated 2026-01-05.

Conditions:
Inborn genetic diseases. Identifiers: MedGen C0950123, MeSH D030342.

Allele frequency attached by ClinVar (database versions not stated): ExAC 0.00002; gnomAD exomes 0.00002 and 0.00003; gnomAD 0.00003; TOPMed 0.00003.
gnomAD v4.1: 47 of 1,614,064 alleles (0.0029%); highest among the groups gnomAD compares: Middle Eastern, 0.033%; 1 homozygote.

Submissions (2):

Labcorp Genetics (formerly Invitae), Labcorp
Classification: Uncertain significance. Last evaluated: 2026-01-05. Review status: criteria provided, single submitter. Criteria: Invitae Variant Classification Sherloc (09022015). Collection method: clinical testing. Allele origin: germline.
Comment: This sequence change replaces serine, which is neutral and polar, with leucine, which is neutral and non-polar, at codon 332 of the ATP8A2 protein (p.Ser332Leu). This variant is present in population databases (rs753899800, gnomAD 0.01%), including at least one homozygous and/or hemizygous individual. This variant has not been reported in the literature in individuals affected with ATP8A2-related conditions. ClinVar contains an entry for this variant (Variation ID: 1434949). Invitae Evidence Modeling of protein sequence and biophysical properties (such as structural, functional, and spatial information, amino acid conservation, physicochemical variation, residue mobility, and thermodynamic stability) has been performed for this missense variant. However, the output from this modeling did not meet the statistical confidence thresholds required to predict the impact of this variant on ATP8A2 protein function. In summary, the available evidence is currently insufficient to determine the role of this variant in disease. Therefore, it has been classified as a Variant of Uncertain Significance.

Ambry Genetics
Classification: Uncertain significance for Inborn genetic diseases. Last evaluated: 2025-08-04. Review status: criteria provided, single submitter. Criteria: Ambry Variant Classification Scheme 2023. Collection method: clinical testing. Allele origin: germline.

NM_016529.6(ATP8A2):c.995C>T (p.Ser332Leu)

Gene: ATP8A2 (ATPase phospholipid transporting 8A2). Cytogenetic location: 13q12.13.
Variant type: single nucleotide variant.
Coding change: c.995C>T on transcript NM_016529.6 (MANE Select); coding-DNA position 995, C replaced by T.
Protein change: p.Ser332Leu; replaces serine 332 with leucine.
Molecular consequence: missense variant.
Genome position (GRCh38, 1-based): chr13:25,551,441, C>T. VCF-style: chr13-25551441-C-T. GRCh37 (hg19) VCF-style: chr13-26125579-C-T.
Other names: c.995C>T (NM_016529.4); c.875C>T, p.Ser292Leu (NM_001313741.1); short protein forms S292L, S332L.
Identifiers: ClinVar variation 1434949 (VCV001434949.8), dbSNP rs753899800, ClinGen allele CA6922761.